The following is an entry in ClinVar:

ClinVar aggregate classification (germline): Pathogenic. Review status: criteria provided, multiple submitters, no conflicts (2 of 4 stars). 16 submissions from 14 submitters: Pathogenic (13). 3 of the submissions do not count toward it. Last evaluated 2026-08-05.

Conditions:
Oculocutaneous albinism type 1A (OCA1A). Also called: Albinism, oculocutaneous, type IA. Identifiers: Orphanet 352731, Orphanet 79431, MedGen C4551504, MONDO:0008745, OMIM 203100. Disease mechanism: loss of function.
Oculocutaneous albinism type 1B (OCA1B). Also called: ALBINISM, OCULOCUTANEOUS, TYPE IB; YELLOW ALBINISM; ALBINISM, YELLOW MUTANT TYPE. Identifiers: Orphanet 352731, Orphanet 352737, Orphanet 79434, MedGen C1847024, MONDO:0011749, OMIM 606952.
SKIN/HAIR/EYE PIGMENTATION 3, LIGHT/DARK SKIN (SHEP3). Also called: SKIN/HAIR/EYE PIGMENTATION, VARIATION IN, 3; SKIN/HAIR/EYE PIGMENTATION 3, BLUE/GREEN EYE COLOR; SKIN/HAIR/EYE PIGMENTATION 3, FRECKLING; EYE COLOR 1; EYE COLOR, GREEN/BLUE. Identifiers: MedGen C2677190, OMIM 601800.
TYR-related disorder. Also called: TYR-related condition.
Nonsyndromic Oculocutaneous Albinism.
Oculocutaneous albinism. Identifiers: Orphanet 55, MedGen C0078918, MONDO:0018910.
Inborn genetic diseases. Identifiers: MedGen C0950123, MeSH D030342.
Ocular albinism with congenital sensorineural hearing loss. Identifiers: MedGen CN028925.

Allele frequency attached by ClinVar (database versions not stated): gnomAD 0.00003 and 0.00004; gnomAD exomes 0.00005 and 0.00009; TOPMed 0.00008; ExAC 0.00017.

Submissions (16):

PreventionGenetics, part of Exact Sciences
Classification: Pathogenic for TYR-related condition. Last evaluated: 2026-08-05. Review status: criteria provided, single submitter. Criteria: ACMG Guidelines, 2015. Collection method: clinical testing. Allele origin: germline.
Comment: The TYR c.1147G>A variant is predicted to result in the amino acid substitution p.Asp383Asn. This variant has been reported in individuals with oculocutaneous albinism (Hutton and Spritz. 2008. PubMed ID: 18463683; Opitz et al. 2004. PubMed ID: 15146472; Kono et al. 2012. PubMed ID: 21985232). This missense variant is predicted to be damaging to the encoded protein (REVEL score >0.773, Ioannidis et al. 2016. PubMed ID: 27666373). This variant is present in 0.018% of alleles in individuals of European (Non-Finnish) descent in gnomAD. This variant has been classified as pathogenic by multiple independent submitters to the ClinVar database (Variation ID: 3775). Given the evidence, we interpret this variant as pathogenic.

Labcorp Genetics (formerly Invitae), Labcorp
Classification: Pathogenic. Last evaluated: 2025-12-23. Review status: criteria provided, single submitter. Criteria: Invitae Variant Classification Sherloc (09022015). Collection method: clinical testing. Allele origin: germline.
Comment: This sequence change replaces aspartic acid, which is acidic and polar, with asparagine, which is neutral and polar, at codon 383 of the TYR protein (p.Asp383Asn). This variant is present in population databases (rs121908011, gnomAD 0.02%). This missense change has been observed in individual(s) with oculocutaneous albinism (PMID: 2342539). In at least one individual the data is consistent with being in trans (on the opposite chromosome) from a pathogenic variant. It has also been observed to segregate with disease in related individuals. This variant is also known as p.Asp365Asn. ClinVar contains an entry for this variant (Variation ID: 3775). Invitae Evidence Modeling of protein sequence and biophysical properties (such as structural, functional, and spatial information, amino acid conservation, physicochemical variation, residue mobility, and thermodynamic stability) indicates that this missense variant is expected to disrupt TYR protein function with a positive predictive value of 95%. For these reasons, this variant has been classified as Pathogenic.

Blueprint Genetics
Classification: Pathogenic for TYR-related disorders. Last evaluated: 2024-11-19. Review status: criteria provided, single submitter. Criteria: ACMG Guidelines, 2015. Collection method: clinical testing. Allele origin: germline. Affected: yes. Observed: 5 variant alleles.

Fulgent Genetics
Classification: Pathogenic for Oculocutaneous albinism type 1A; SKIN/HAIR/EYE PIGMENTATION 3, LIGHT/DARK SKIN; Oculocutaneous albinism type 1B. Last evaluated: 2024-03-23. Review status: criteria provided, single submitter. Criteria: ACMG Guidelines, 2015. Collection method: clinical testing. Allele origin: germline.

Baylor Genetics
Classification: Pathogenic for SKIN/HAIR/EYE PIGMENTATION 3, LIGHT/DARK SKIN. Last evaluated: 2023-12-22. Review status: criteria provided, single submitter. Criteria: ACMG Guidelines, 2015. Collection method: clinical testing. Allele origin: unknown.

Women's Health and Genetics/Laboratory Corporation of America, LabCorp
Classification: Pathogenic for Oculocutaneous albinism. Last evaluated: 2023-04-14. Review status: criteria provided, single submitter. Criteria: LabCorp Variant Classification Summary - May 2015. Collection method: clinical testing. Allele origin: germline.
Comment: Variant summary: TYR c.1147G>A (p.Asp383Asn) results in a conservative amino acid change located in the Tyrosinase copper-binding domain (IPR002227) of the encoded protein sequence. Four of five in-silico tools predict a damaging effect of the variant on protein function. The variant allele was found at a frequency of 9.2e-05 in 251022 control chromosomes. This frequency is not significantly higher than estimated for a pathogenic variant in TYR causing Oculocutaneous Albinism (9.2e-05 vs 0.0056), allowing no conclusion about variant significance. c.1147G>A has been reported in the literature as biallelic homozygous or compound heterozygous genotypes in multiple individuals affected with Oculocutaneous Albinism (example, Lasseaux_2018, King_2003). These data indicate that the variant is very likely to be associated with disease. Nine clinical diagnostic laboratories have submitted clinical-significance assessments for this variant to ClinVar after 2014 without evidence for independent evaluation. All laboratories classified the variant as pathogenic/likely pathogenic. Based on the evidence outlined above, the variant was classified as pathogenic.

GeneDx
Classification: Pathogenic. Last evaluated: 2023-02-15. Review status: criteria provided, single submitter. Criteria: GeneDx Variant Classification Process June 2021. Collection method: clinical testing. Allele origin: germline. Affected: yes.
Comment: Published functional studies demonstrate a damaging effect with dopa oxidase activity, melanin production, and DHI oxidase activities significantly decreased when compared to controls (Tripathi et al., 1992; Kono et al., 2012); In silico analysis supports that this missense variant has a deleterious effect on protein structure/function; This variant is associated with the following publications: (PMID: 8996965, 19208379, 11295837, 19060277, 22042571, 31429209, 21985232, 1429711, 2342539, 28266639, 25326635, 19865097, 18326704, 34838614)

Genome-Nilou Lab
Classification: Pathogenic for Oculocutaneous albinism type 1A. Last evaluated: 2021-07-22. Review status: criteria provided, single submitter. Criteria: ACMG Guidelines, 2015. Collection method: clinical testing. Allele origin: germline. Affected: no.

Foundation for Research in Genetics and Endocrinology, FRIGE's Institute of Human Genetics
Classification: Pathogenic for Oculocutaneous albinism type 1A. Last evaluated: 2019-02-27. Review status: criteria provided, single submitter. Criteria: ACMG Guidelines, 2015. Collection method: clinical testing. Allele origin: germline. Inheritance: Autosomal recessive inheritance. Affected: yes. Observed: 1 compound heterozygote.
Comment: The observed variant NM_000372.4 :c.1147G>A (p.Asp383Asn) is a missense variation found in exon 3 of the TYR gene. It is a known pathogenic variant and has been reported in the ExAC and gnomAD database with an allele frequency of 0.000165 and 0.00009358, respectively. The in silico prediction of this variant is disease causing by SIFT, PolyPhen2. In summary, the variant meets the ACMG criteria to be classified as pathogenic based upon the evidence stated above.

Fulgent Genetics
Classification: Pathogenic for Oculocutaneous albinism type 1A; SKIN/HAIR/EYE PIGMENTATION 3, LIGHT/DARK SKIN; Oculocutaneous albinism type 1B. Last evaluated: 2018-10-31. Review status: criteria provided, single submitter. Criteria: ACMG Guidelines, 2015. Collection method: clinical testing. Allele origin: unknown.

Ambry Genetics
Classification: Pathogenic for Inborn genetic diseases. Last evaluated: 2018-02-23. Review status: criteria provided, single submitter. Criteria: Ambry exome assertion method (8-5-2015). Collection method: clinical testing. Allele origin: germline. Affected: yes. Observed: 1 variant allele.

Baylor Genetics
Classification: Pathogenic for Oculocutaneous albinism type 1A; Oculocutaneous albinism type 1B. Last evaluated: 2017-09-01. Review status: criteria provided, single submitter. Criteria: ACMG Guidelines, 2015. Collection method: clinical testing. Allele origin: maternal. Inheritance: Autosomal recessive inheritance. Affected: yes.
Comment: Heterozygotes are expected to be asymptomatic carriers.

Eurofins Ntd Llc (ga)
Classification: Pathogenic. Last evaluated: 2015-03-10. Review status: criteria provided, single submitter. Criteria: EGL Classification Definitions 2015. Collection method: clinical testing. Allele origin: germline. Observed: 1 variant allele, 1 heterozygote.

University of Washington Center for Mendelian Genomics, University of Washington
Classification: Likely pathogenic for Nonsyndromic Oculocutaneous Albinism. Last evaluated: 2017-03-07. Review status: no assertion criteria provided. Collection method: research. Allele origin: unknown. Affected: yes. Observed: 1 homozygote. Not counted in ClinVar's aggregate classification.

OMIM
Classification: Pathogenic for ALBINISM, OCULOCUTANEOUS, TYPE IA. Last evaluated: 1991-02-01. Review status: no assertion criteria provided. Collection method: literature only. Allele origin: germline. Not counted in ClinVar's aggregate classification.

Retina International
No classification provided. Review status: no classification provided. Collection method: not provided. Allele origin: unknown. Not counted in ClinVar's aggregate classification.

Literature cited by the submitters: PubMed 2342539 (cited by 4 submitters); PubMed 29345414 (cited by Women's Health and Genetics/Laboratory Corporation of America, LabCorp); PubMed 13680365 (cited by Women's Health and Genetics/Laboratory Corporation of America, LabCorp); PubMed 28266639 (cited by Ambry Genetics and University of Washington Center for Mendelian Genomics, University of Washington); PubMed 1642278 (cited by Ambry Genetics); PubMed 21985232 (cited by Baylor Genetics and Eurofins Ntd Llc (ga)); PubMed 1429711 (cited by Baylor Genetics and Eurofins Ntd Llc (ga)); PubMed 25326635 (cited by Baylor Genetics); PubMed 18326704 (cited by Eurofins Ntd Llc (ga)); PubMed 19060277 (cited by Eurofins Ntd Llc (ga)); PubMed 22294196 (cited by Eurofins Ntd Llc (ga)); PubMed 1899321 (cited by OMIM); PubMed 1943686 (cited by OMIM).

NM_000372.5(TYR):c.1147G>A (p.Asp383Asn)

Gene: TYR (tyrosinase; plus strand). Cytogenetic location: 11q14.3.
Variant type: single nucleotide variant.
Coding change: c.1147G>A on transcript NM_000372.5 (MANE Select); coding-DNA position 1147, G replaced by A.
Protein change: p.Asp383Asn; replaces aspartic acid 383 with asparagine.
Molecular consequence: missense variant.
Genome position (GRCh38, 1-based): chr11:89,227,933, G>A. VCF-style: chr11-89227933-G-A. GRCh37 (hg19) VCF-style: chr11-88961101-G-A.
Other names: D365N; short protein forms D383N.
Identifiers: ClinVar variation 3775 (VCV000003775.30), dbSNP rs121908011, ClinGen allele CA227507.
Genomic context (GRCh38, chr11:89,227,933, plus strand): 5'-CACAATGCCTTGCACATCTATATGAATGGAACAATGTCCCAGGTACAGGGATCTGCCAAC[G>A]ATCCTATCTTCCTTCTTCACCATGCATTTGTTGACAGGTTGGTTAATATTTCTTTATAAA-3'
Protein context (NP_000363.1, residues 373-393): TMSQVQGSAN[Asp383Asn]PIFLLHHAFV